The following is an entry in ClinVar:

ClinVar aggregate classification (germline): Benign (1 of 4 stars; one submission).

Allele frequency attached by ClinVar (database versions not stated): gnomAD 0.11331 and 0.11341; 1000 Genomes Project 30x 0.13023; 1000 Genomes Project 0.13558; TOPMed 0.11538.

Submission:

GeneDx
Classification: Benign. Last evaluated: 2018-06-14. Review status: criteria provided, single submitter. Criteria: GeneDx Variant Classification (06012015). Collection method: clinical testing. Allele origin: germline. Affected: yes.
Comment: This variant is considered likely benign or benign based on one or more of the following criteria: it is a conservative change, it occurs at a poorly conserved position in the protein, it is predicted to be benign by multiple in silico algorithms, and/or has population frequency not consistent with disease.

NM_020631.4(PLEKHG5):c.-28788G>A

Genes: PLEKHG5 (pleckstrin homology and RhoGEF domain containing G5; minus strand), LOC120851202 (Sharpr-MPRA regulatory region 5048; plus strand). Cytogenetic location: 1p36.31.
Variant type: single nucleotide variant.
Coding change: c.-28788G>A on transcript NM_020631.4; 28788 bases upstream of the start codon, G replaced by A.
Genome position (GRCh38, 1-based): chr1:6,520,337, C>T on the plus strand (G>A on the coding strand, the complement: PLEKHG5 is on the minus strand). VCF-style: chr1-6520337-C-T. GRCh37 (hg19) VCF-style: chr1-6580397-C-T.
Identifiers: ClinVar variation 671304 (VCV000671304.3), dbSNP rs12046229, ClinGen allele CA10830901.
Genomic context (GRCh38, chr1:6,520,337, plus strand): 5'-TTGGGAATACTTAACTTAGCAAGGTCTTTCTGAAAAGGCCCTGAACATCACGTAGGCTTC[C>T]CCACTTACTGCATAGATGGCCCCCATATTTACTTTAGCCACTGTTCAGGCTGGGCTTGTC-3'